The following is an entry in ClinVar:

NM_177438.3(DICER1):c.4348_4349del (p.Ile1450fs)

Gene: DICER1 (dicer 1, ribonuclease III; minus strand). Cytogenetic location: 14q32.13.
Variant type: Microsatellite.
Coding change: c.4348_4349del on transcript NM_177438.3 (MANE Select); coding-DNA positions 4348 to 4349, 2 bases deleted (AT; older notation c.4348_4349delAT).
Protein change: p.Ile1450fs; shifts the reading frame from isoleucine 1450.
Molecular consequence: frameshift variant.
Genome position (GRCh38, 1-based): chr14:95,096,571-95,096,572, AT deleted on the plus strand (AT on the coding strand, the reverse complement: DICER1 is on the minus strand); deleting any 2 consecutive bases within chr14:95,096,571-95,096,574 gives the same sequence; the c. name uses the placement nearest the transcript's 3' end. VCF-style (leftmost placement, unchanged base first): chr14-95096570-GAT-G. GRCh37 (hg19) VCF-style: chr14-95562907-GAT-G.
Other names: c.4348_4349del, p.Ile1450fs (NM_001195573.1, NM_001271282.3, NM_001291628.2 and 1 more transcripts); short protein forms I1450fs.
Identifiers: ClinVar variation 824812 (VCV000824812.4), dbSNP rs1595341965, ClinGen allele CA915946361.

ClinVar aggregate classification (germline): Pathogenic (1 of 4 stars; one submission).

Conditions:
Hereditary cancer-predisposing syndrome. Also called: Neoplastic Syndromes, Hereditary; Tumor predisposition; Hereditary neoplastic syndrome; Hereditary Cancer Syndrome. Identifiers: Orphanet 140162, MedGen C0027672, MeSH D009386, MONDO:0015356.

Submission:

Ambry Genetics
Classification: Pathogenic for Hereditary cancer-predisposing syndrome. Last evaluated: 2019-02-14. Review status: criteria provided, single submitter. Criteria: Ambry Variant Classification Scheme 2023. Collection method: clinical testing. Allele origin: germline.
Comment: The c.4348_4349delAT pathogenic mutation, located in coding exon 22 of the DICER1 gene, results from a deletion of two nucleotides at nucleotide positions 4348 to 4349, causing a translational frameshift with a predicted alternate stop codon (p.I1450Qfs*5). This alteration is expected to result in loss of function by premature protein truncation or nonsense-mediated mRNA decay. As such, this alteration is interpreted as a disease-causing mutation.